The following is an entry in ClinVar:

NM_001440.4(EXTL3):c.1582A>C (p.Asn528His)

Gene: EXTL3 (exostosin like glycosyltransferase 3; plus strand). Cytogenetic location: 8p21.1.
Variant type: single nucleotide variant.
Coding change: c.1582A>C on transcript NM_001440.4 (MANE Select); coding-DNA position 1582, A replaced by C.
Protein change: p.Asn528His; replaces asparagine 528 with histidine.
Molecular consequence: missense variant.
Genome position (GRCh38, 1-based): chr8:28,717,641, A>C. VCF-style: chr8-28717641-A-C. GRCh37 (hg19) VCF-style: chr8-28575158-A-C.
Other names: c.1582A>C (NM_001440.2); short protein forms N528H.
Identifiers: ClinVar variation 1008854 (VCV001008854.7), dbSNP rs145090231, ClinGen allele CA4696246.
Genomic context (GRCh38, chr8:28,717,641, plus strand): 5'-ATGAGGCGGCAAGGCCGCTTTCTCTGGGAGACTTACTTCTCCACTGCTGACAGTATTTTT[A>C]ATACCGTGCTGGCTATGATTAGGACTCGCATCCAGATCCCAGCCGCTCCCATCCGGGAAG-3'
Protein context (NP_001431.1, residues 518-538): TYFSTADSIF[Asn528His]TVLAMIRTRI

ClinVar aggregate classification (germline): Uncertain significance. Review status: criteria provided, multiple submitters, no conflicts (2 of 4 stars). 3 submissions from 3 submitters: Uncertain significance (3). Last evaluated 2025-11-11.

Conditions:
Inborn genetic diseases. Identifiers: MedGen C0950123, MeSH D030342.

Allele frequency attached by ClinVar (database versions not stated): gnomAD 0.00006; ExAC 0.00008; gnomAD exomes 0.00008; TOPMed 0.00009; ESP Exome Variant Server 0.00054.
gnomAD v4.1: 459 of 1,614,030 alleles (0.028%); highest among the groups gnomAD compares: Non-Finnish European, 0.037%; no homozygotes.

Submissions (3):

Labcorp Genetics (formerly Invitae), Labcorp
Classification: Uncertain significance. Last evaluated: 2025-11-11. Review status: criteria provided, single submitter. Criteria: Invitae Variant Classification Sherloc (09022015). Collection method: clinical testing. Allele origin: germline.
Comment: This sequence change replaces asparagine, which is neutral and polar, with histidine, which is basic and polar, at codon 528 of the EXTL3 protein (p.Asn528His). This variant is present in population databases (rs145090231, gnomAD 0.02%). This variant has not been reported in the literature in individuals affected with EXTL3-related conditions. ClinVar contains an entry for this variant (Variation ID: 1008854). Invitae Evidence Modeling of protein sequence and biophysical properties (such as structural, functional, and spatial information, amino acid conservation, physicochemical variation, residue mobility, and thermodynamic stability) indicates that this missense variant is not expected to disrupt EXTL3 protein function with a negative predictive value of 80%. In summary, the available evidence is currently insufficient to determine the role of this variant in disease. Therefore, it has been classified as a Variant of Uncertain Significance.

Ambry Genetics
Classification: Uncertain significance for Inborn genetic diseases. Last evaluated: 2024-11-25. Review status: criteria provided, single submitter. Criteria: Ambry Variant Classification Scheme 2023. Collection method: clinical testing. Allele origin: germline.

Blueprint Genetics
Classification: Uncertain significance. Last evaluated: 2023-11-23. Review status: criteria provided, single submitter. Criteria: ACMG Guidelines, 2015. Collection method: clinical testing. Allele origin: germline.